The following is an entry in ClinVar:

NM_004415.4(DSP):c.3424C>T (p.Leu1142=)

Gene: DSP (desmoplakin; plus strand). Cytogenetic location: 6p24.3.
Variant type: single nucleotide variant.
Coding change: c.3424C>T on transcript NM_004415.4 (MANE Select); coding-DNA position 3424, C replaced by T.
Protein change: p.Leu1142=; no amino-acid change (leucine 1142 retained).
Molecular consequence: synonymous variant.
Genome position (GRCh38, 1-based): chr6:7,579,614, C>T. VCF-style: chr6-7579614-C-T. GRCh37 (hg19) VCF-style: chr6-7579847-C-T.
Other names: c.3424C>T, p.Leu1142= (NM_001008844.3, NM_001319034.2).
Identifiers: ClinVar variation 1615908 (VCV001615908.10), dbSNP rs779251147, ClinGen allele CA038095.
Genomic context (GRCh38, chr6:7,579,614, plus strand): 5'-AAGAGAAGAAGAAAATCTGTGGAAGACAGATTTGACCAACAGAAGAATGACTATGACCAA[C>T]TGCAGAAAGCAAGGCAATGTGAAAAGGAGAACCTTGGTTGGCAGAAATTAGAGTCTGAGA-3'
Protein context (NP_004406.2, residues 1132-1152): FDQQKNDYDQ[Leu1142=]QKARQCEKEN

ClinVar aggregate classification (germline): Conflicting classifications of pathogenicity. Review status: criteria provided, conflicting classifications (1 of 4 stars). 3 submissions from 3 submitters: Uncertain significance (1); Likely benign (2). Last evaluated 2025-07-17.

Conditions:
Cardiomyopathy (CMYO). Also called: Cardiomyopathies. Identifiers: Orphanet 167848, MedGen C0878544, MONDO:0004994, HP:0001638. Inheritance: Various modes of inheritance.
Arrhythmogenic right ventricular dysplasia 8 (ARVD8). Also called: Arrhythmogenic Right Ventricular Dysplasia/Cardiomyopathy 8; ARRHYTHMOGENIC RIGHT VENTRICULAR DYSPLASIA, FAMILIAL, 8; ARRHYTHMOGENIC RIGHT VENTRICULAR CARDIOMYOPATHY 8. Identifiers: MedGen C1843896, MONDO:0011831, OMIM 607450.
Arrhythmogenic cardiomyopathy with wooly hair and keratoderma. Also called: Arrhythmogenic cardiomyopathy with woolly hair and keratoderma; Carvajal syndrome; Dilated cardiomyopathy with woolly hair and keratoderma; PALMOPLANTAR KERATODERMA WITH LEFT VENTRICULAR CARDIOMYOPATHY AND WOOLLY HAIR. Identifiers: Orphanet 65282, MedGen C1854063, MONDO:0011581, OMIM 605676.

Allele frequency attached by ClinVar (database versions not stated): gnomAD exomes below 0.00001 and 0.00001; ExAC 0.00001.
gnomAD v4.1: 8 of 1,614,004 alleles (0.0005%); highest among the groups gnomAD compares: Non-Finnish European, 0.00068%; no homozygotes.

Submissions (3):

Color Diagnostics, LLC DBA Color Health
Classification: Likely benign for Cardiomyopathy. Last evaluated: 2025-07-17. Review status: criteria provided, single submitter. Criteria: ACMG Guidelines, 2015. Collection method: clinical testing. Allele origin: germline.

Labcorp Genetics (formerly Invitae), Labcorp
Classification: Likely benign for Arrhythmogenic cardiomyopathy with wooly hair and keratoderma; Arrhythmogenic right ventricular dysplasia 8. Last evaluated: 2023-11-08. Review status: criteria provided, single submitter. Criteria: Invitae Variant Classification Sherloc (09022015). Collection method: clinical testing. Allele origin: germline.

All of Us Research Program, National Institutes of Health
Classification: Uncertain significance for Arrhythmogenic cardiomyopathy with wooly hair and keratoderma. Last evaluated: 2023-10-02. Review status: criteria provided, single submitter. Criteria: ACMG Guidelines, 2015. Collection method: clinical testing. Allele origin: germline. Inheritance: Autosomal dominant inheritance. Observed: 1 variant allele, 1 heterozygote.
Comment: This variant is located in the DSP protein. To our knowledge, functional studies have not been reported for this variant. This variant has not been reported in individuals affected with DSP-related disorders in the literature. This variant has been identified in 1/250078 chromosomes in the general population by the Genome Aggregation Database (gnomAD). The available evidence is insufficient to determine the role of this variant in disease conclusively. Therefore, this variant is classified as a Variant of Uncertain Significance.

This study involves interpretation of variants in research participants for the purpose of population health screening. Participant phenotype was not available at the time of variant classification. Additional details can be found in publication PMID: 35346344, PMCID: PMC8962531